The following is an entry in ClinVar:

NM_000283.4(PDE6B):c.2193+5G>A

Gene: PDE6B (phosphodiesterase 6B; plus strand). Cytogenetic location: 4p16.3.
Variant type: single nucleotide variant.
Coding change: c.2193+5G>A on transcript NM_000283.4 (MANE Select); 5 bases into the intron after coding-DNA position 2193, G replaced by A.
Molecular consequence: intron variant.
Genome position (GRCh38, 1-based): chr4:664,949, G>A. VCF-style: chr4-664949-G-A. GRCh37 (hg19) VCF-style: chr4-658738-G-A.
Other names: c.2193+5G>A (NM_001145291.2); c.1356+5G>A (NM_001379246.1, NM_001379247.1, NM_001145292.2 and 1 more transcripts); c.1038+5G>A (NM_001350155.3).
Identifiers: ClinVar variation 841539 (VCV000841539.13), dbSNP rs576895229, ClinGen allele CA2794920.

ClinVar aggregate classification (germline): Conflicting classifications of pathogenicity. Review status: criteria provided, conflicting classifications (1 of 4 stars). 5 submissions from 4 submitters: Uncertain significance (4); Benign (1). Last evaluated 2026-08-19.

Conditions:
Congenital stationary night blindness autosomal dominant 2. Also called: NIGHT BLINDNESS, CONGENITAL STATIONARY, RAMBUSCH TYPE. Identifiers: Orphanet 215, MedGen C1876182, MONDO:0008099, OMIM 163500.
PDE6B-related disorder. Also called: PDE6B-related disease; PDE6B-related condition; PDE6B-related disorders.
Retinitis pigmentosa (RP). Identifiers: Orphanet 791, MedGen C0035334, MeSH D012174, MONDO:0019200, OMIM 268000. Inheritance: Autosomal dominant, autosomal recessive and X linked inheritance.

Allele frequency attached by ClinVar (database versions not stated): 1000 Genomes Project below 0.00001; gnomAD exomes 0.00002 and 0.00009; ExAC 0.00005; TOPMed 0.00006.
gnomAD v4.1: 55 of 1,609,696 alleles (0.0034%); highest among the groups gnomAD compares: East Asian, 0.04%; 1 homozygote.

Submissions (5):

PreventionGenetics, part of Exact Sciences
Classification: Uncertain significance for PDE6B-related condition. Last evaluated: 2026-08-19. Review status: criteria provided, single submitter. Criteria: ACMG Guidelines, 2015. Collection method: clinical testing. Allele origin: germline.
Comment: The PDE6B c.2193+5G>A variant is predicted to interfere with splicing. This variant is predicted to impact splicing based on splicing prediction programs (SpliceAI, Jaganathan K, et al. 2019. PubMed ID: 30661751); however, splicing defects for this variant have not been confirmed with functional studies. This variant was reported in the compound heterozygous state in an individual with retinitis pigmentosa from early-onset high myopia cohort (Rui et al. 2025. PubMed ID: 40175531). This variant is reported in 0.085% of alleles in individuals of East Asian descent in gnomAD including a homozygous individual. Although we suspect that this variant may be benign, at this time, the clinical significance of this variant is uncertain due to the absence of conclusive functional and genetic evidence.

Labcorp Genetics (formerly Invitae), Labcorp
Classification: Uncertain significance. Last evaluated: 2025-01-06. Review status: criteria provided, single submitter. Criteria: Invitae Variant Classification Sherloc (09022015). Collection method: clinical testing. Allele origin: germline.
Comment: This sequence change falls in intron 18 of the PDE6B gene. It does not directly change the encoded amino acid sequence of the PDE6B protein. It affects a nucleotide within the consensus splice site. This variant is present in population databases (rs576895229, gnomAD 0.09%), including at least one homozygous and/or hemizygous individual. This variant has not been reported in the literature in individuals affected with PDE6B-related conditions. ClinVar contains an entry for this variant (Variation ID: 841539). Variants that disrupt the consensus splice site are a relatively common cause of aberrant splicing (PMID: 17576681, 9536098). Algorithms developed to predict the effect of sequence changes on RNA splicing suggest that this variant may disrupt the consensus splice site. In summary, the available evidence is currently insufficient to determine the role of this variant in disease. Therefore, it has been classified as a Variant of Uncertain Significance.

Blueprint Genetics
Classification: Uncertain significance. Last evaluated: 2023-11-13. Review status: criteria provided, single submitter. Criteria: ACMG Guidelines, 2015. Collection method: clinical testing. Allele origin: germline.

Illumina Laboratory Services, Illumina
Classification: Uncertain significance for Retinitis pigmentosa. Last evaluated: 2018-04-20. Review status: criteria provided, single submitter. Criteria: ICSL Variant Classification Criteria 13 December 2019. Collection method: clinical testing. Allele origin: germline.

Illumina Laboratory Services, Illumina
Classification: Benign for Congenital stationary night blindness autosomal dominant 2. Last evaluated: 2018-04-20. Review status: criteria provided, single submitter. Criteria: ICSL Variant Classification Criteria 13 December 2019. Collection method: clinical testing. Allele origin: germline.
Comment: This variant was observed in the ICSL laboratory as part of a predisposition screen in an ostensibly healthy population. It had not been previously curated by ICSL or reported in the Human Gene Mutation Database (HGMD: prior to June 1st, 2018), and was therefore a candidate for classification through an automated scoring system. Utilizing variant allele frequency, disease prevalence and penetrance estimates, and inheritance mode, an automated score was calculated to assess if this variant is too frequent to cause the disease. Based on the score and internal cut-off values, a variant classified as benign is not then subjected to further curation. The score for this variant resulted in a classification of benign for this disease.

Literature cited by the submitters: PubMed 17576681 (cited by Labcorp Genetics (formerly Invitae), Labcorp); PubMed 9536098 (cited by Labcorp Genetics (formerly Invitae), Labcorp).